The following is an entry in ClinVar:

NM_001943.5(DSG2):c.1772G>A (p.Cys591Tyr)

Gene: DSG2 (desmoglein 2; plus strand). Cytogenetic location: 18q12.1.
Variant type: single nucleotide variant.
Coding change: c.1772G>A on transcript NM_001943.5 (MANE Select); coding-DNA position 1772, G replaced by A.
Protein change: p.Cys591Tyr; replaces cysteine 591 with tyrosine.
Molecular consequence: missense variant.
Genome position (GRCh38, 1-based): chr18:31,538,871, G>A. VCF-style: chr18-31538871-G-A. GRCh37 (hg19) VCF-style: chr18-29118834-G-A.
Other names: short protein forms C591Y.
Identifiers: ClinVar variation 5035612 (VCV005035612.1).

ClinVar aggregate classification (germline): Uncertain significance (1 of 4 stars; one submission).

Conditions:
Cardiovascular phenotype. Identifiers: MedGen CN230736.

gnomAD v4.1: 3 of 1,614,170 alleles (0.00019%); highest among the groups gnomAD compares: African/African-American, 0.0013%; no homozygotes.

Submission:

Ambry Genetics
Classification: Uncertain significance for Cardiovascular phenotype. Last evaluated: 2026-07-19. Review status: criteria provided, single submitter. Criteria: Ambry Variant Classification Scheme 2023. Collection method: clinical testing. Allele origin: germline.
Comment: The p.C591Y variant (also known as c.1772G>A), located in coding exon 12 of the DSG2 gene, results from a G to A substitution at nucleotide position 1772. The cysteine at codon 591 is replaced by tyrosine, an amino acid with highly dissimilar properties. This amino acid position is conserved. In addition, this alteration is predicted to be deleterious by in silico analysis. Based on the available evidence, the clinical significance of this variant remains unclear.